The following is an entry in ClinVar:

ClinVar aggregate classification (germline): Uncertain significance. Review status: criteria provided, multiple submitters, no conflicts (2 of 4 stars). 2 submissions from 2 submitters: Uncertain significance (2). Last evaluated 2025-09-22.

Conditions:
Sclerosteosis 2 (SOST2). Identifiers: Orphanet 3152, MedGen C3280402, MONDO:0013679, OMIM 614305.
Cenani-Lenz syndactyly syndrome. Also called: CENANI SYNDACTYLISM; SYNDACTYLY, TYPE VII. Identifiers: Orphanet 3258, MedGen C1859309, MONDO:0008931, OMIM 212780.
Congenital myasthenic syndrome 17. Identifiers: Orphanet 590, MedGen C4225377, MONDO:0014578, OMIM 616304.
Inborn genetic diseases. Identifiers: MedGen C0950123, MeSH D030342.

Allele frequency attached by ClinVar (database versions not stated): gnomAD exomes below 0.00001; TOPMed below 0.00001.

Submissions (2):

Ambry Genetics
Classification: Uncertain significance for Inborn genetic diseases. Last evaluated: 2025-09-22. Review status: criteria provided, single submitter. Criteria: Ambry Variant Classification Scheme 2023. Collection method: clinical testing. Allele origin: germline.

Labcorp Genetics (formerly Invitae), Labcorp
Classification: Uncertain significance for Cenani-Lenz syndactyly syndrome; Sclerosteosis 2; Congenital myasthenic syndrome 17. Last evaluated: 2022-03-31. Review status: criteria provided, single submitter. Criteria: Invitae Variant Classification Sherloc (09022015). Collection method: clinical testing. Allele origin: germline.
Comment: In summary, the available evidence is currently insufficient to determine the role of this variant in disease. Therefore, it has been classified as a Variant of Uncertain Significance. Algorithms developed to predict the effect of missense changes on protein structure and function are either unavailable or do not agree on the potential impact of this missense change (SIFT: "Deleterious"; PolyPhen-2: "Benign"; Align-GVGD: "Class C55"). This variant has not been reported in the literature in individuals affected with LRP4-related conditions. This variant is not present in population databases (gnomAD no frequency). This sequence change replaces glycine, which is neutral and non-polar, with serine, which is neutral and polar, at codon 408 of the LRP4 protein (p.Gly408Ser).

NM_002334.4(LRP4):c.1222G>A (p.Gly408Ser)

Gene: LRP4 (LDL receptor related protein 4; minus strand). Cytogenetic location: 11p11.2.
Variant type: single nucleotide variant.
Coding change: c.1222G>A on transcript NM_002334.4 (MANE Select); coding-DNA position 1222, G replaced by A.
Protein change: p.Gly408Ser; replaces glycine 408 with serine.
Molecular consequence: missense variant.
Genome position (GRCh38, 1-based): chr11:46,895,253, C>T on the plus strand (G>A on the coding strand, the complement: LRP4 is on the minus strand). VCF-style: chr11-46895253-C-T. GRCh37 (hg19) VCF-style: chr11-46916804-C-T.
Other names: c.1222G>A (NM_002334.3); short protein forms G408S.
Identifiers: ClinVar variation 2040675 (VCV002040675.4), dbSNP rs1941501776, ClinGen allele CA380286418.